The following is an entry in ClinVar:

NM_000059.4(BRCA2):c.6154T>G (p.Ser2052Ala)

Gene: BRCA2 (BRCA2 DNA repair associated; plus strand). Cytogenetic location: 13q13.1.
Variant type: single nucleotide variant.
Coding change: c.6154T>G on transcript NM_000059.4 (MANE Select); coding-DNA position 6154, T replaced by G.
Protein change: p.Ser2052Ala; replaces serine 2052 with alanine.
Molecular consequence: missense variant.
Genome position (GRCh38, 1-based): chr13:32,340,509, T>G. VCF-style: chr13-32340509-T-G. GRCh37 (hg19) VCF-style: chr13-32914646-T-G.
Other names: short protein forms S2052A.
Identifiers: ClinVar variation 628993 (VCV000628993.9), dbSNP rs1566234040, ClinGen allele CA387788302.

ClinVar aggregate classification (germline): Conflicting classifications of pathogenicity. Review status: criteria provided, conflicting classifications (1 of 4 stars). 3 submissions from 3 submitters: Uncertain significance (2); Likely benign (1). Last evaluated 2023-12-05.

Conditions:
Hereditary cancer-predisposing syndrome. Also called: Neoplastic Syndromes, Hereditary; Tumor predisposition; Hereditary neoplastic syndrome; Hereditary Cancer Syndrome. Identifiers: Orphanet 140162, MedGen C0027672, MeSH D009386, MONDO:0015356.

Submissions (3):

Color Diagnostics, LLC DBA Color Health
Classification: Uncertain significance for Hereditary cancer-predisposing syndrome. Last evaluated: 2023-12-05. Review status: criteria provided, single submitter. Criteria: ACMG Guidelines, 2015. Collection method: clinical testing. Allele origin: germline.
Comment: This missense variant replaces serine with alanine at codon 2052 of the BRCA2 protein. Computational prediction suggests that this variant may not impact protein structure and function (internally defined REVEL score threshold <= 0.5, PMID: 27666373). To our knowledge, functional studies have not been reported for this variant. This variant has not been reported in individuals affected with BRCA2-related disorders in the literature. This variant has not been identified in the general population by the Genome Aggregation Database (gnomAD). The available evidence is insufficient to determine the role of this variant in disease conclusively. Therefore, this variant is classified as a Variant of Uncertain Significance.

University of Washington Department of Laboratory Medicine, University of Washington
Classification: Likely benign for Hereditary cancer-predisposing syndrome. Last evaluated: 2023-03-23. Review status: criteria provided, single submitter. Criteria: Dines et al. (Genet Med. 2020). Collection method: curation. Allele origin: germline.
Comment: Missense variant in a coldspot region where missense variants are very unlikely to be pathogenic (PMID:31911673).

BRCA2 exon 11 coldspot. Reclassification based on statistical prior probability.

Ambry Genetics
Classification: Uncertain significance for Hereditary cancer-predisposing syndrome. Last evaluated: 2021-04-15. Review status: criteria provided, single submitter. Criteria: Ambry Variant Classification Scheme 2023. Collection method: clinical testing. Allele origin: germline.
Comment: The p.S2052A variant (also known as c.6154T>G), located in coding exon 10 of the BRCA2 gene, results from a T to G substitution at nucleotide position 6154. The serine at codon 2052 is replaced by alanine, an amino acid with similar properties. This amino acid position is not well conserved in available vertebrate species. In addition, this alteration is predicted to be tolerated by in silico analysis. Since supporting evidence is limited at this time, the clinical significance of this alteration remains unclear.